The following is an entry in ClinVar:

NM_000038.6(APC):c.2143C>T (p.His715Tyr)

Gene: APC (APC regulator of Wnt signaling pathway; plus strand). Cytogenetic location: 5q22.2.
Variant type: single nucleotide variant.
Coding change: c.2143C>T on transcript NM_000038.6 (MANE Select); coding-DNA position 2143, C replaced by T.
Protein change: p.His715Tyr; replaces histidine 715 with tyrosine.
Molecular consequence: missense variant.
Genome position (GRCh38, 1-based): chr5:112,837,737, C>T. VCF-style: chr5-112837737-C-T. GRCh37 (hg19) VCF-style: chr5-112173434-C-T.
Other names: c.2143C>T, p.His715Tyr (NM_001127510.3, NM_001354895.2, NM_001407450.1); c.2089C>T, p.His697Tyr (NM_001127511.3); c.2197C>T, p.His733Tyr (NM_001354896.2, NM_001407447.1, NM_001407448.1 and 1 more transcripts); c.2173C>T, p.His725Tyr (NM_001354897.2); c.2068C>T, p.His690Tyr (NM_001354898.2); c.2059C>T, p.His687Tyr (NM_001354899.2); c.2020C>T, p.His674Tyr (NM_001354900.2); c.1966C>T, p.His656Tyr (NM_001354901.2, NM_001407453.1); and 11 more; short protein forms H432Y, H624Y, H632Y, H690Y, H715Y, H687Y, H697Y, H705Y.
Identifiers: ClinVar variation 1786620 (VCV001786620.7), dbSNP rs2149861611, ClinGen allele CA16026019.

ClinVar aggregate classification (germline): Uncertain significance. Review status: criteria provided, multiple submitters, no conflicts (2 of 4 stars). 2 submissions from 2 submitters: Uncertain significance (2). Last evaluated 2024-12-10.

Conditions:
Hereditary cancer-predisposing syndrome. Also called: Neoplastic Syndromes, Hereditary; Tumor predisposition; Hereditary Cancer Syndrome; Hereditary neoplastic syndrome. Identifiers: Orphanet 140162, MedGen C0027672, MeSH D009386, MONDO:0015356.
Familial adenomatous polyposis 1 (FAP1). Also called: FAMILIAL ADENOMATOUS POLYPOSIS 1, ATTENUATED; POLYPOSIS, ADENOMATOUS INTESTINAL. Identifiers: MedGen C2713442, MONDO:0021056, OMIM 175100. Disease mechanism: loss of function.

Submissions (2):

Labcorp Genetics (formerly Invitae), Labcorp
Classification: Uncertain significance for Familial adenomatous polyposis 1. Last evaluated: 2024-12-10. Review status: criteria provided, single submitter. Criteria: Invitae Variant Classification Sherloc (09022015). Collection method: clinical testing. Allele origin: germline.
Comment: This sequence change replaces histidine, which is basic and polar, with tyrosine, which is neutral and polar, at codon 715 of the APC protein (p.His715Tyr). This variant is not present in population databases (gnomAD no frequency). This variant has not been reported in the literature in individuals affected with APC-related conditions. ClinVar contains an entry for this variant (Variation ID: 1786620). Invitae Evidence Modeling of protein sequence and biophysical properties (such as structural, functional, and spatial information, amino acid conservation, physicochemical variation, residue mobility, and thermodynamic stability) indicates that this missense variant is not expected to disrupt APC protein function with a negative predictive value of 95%. In summary, the available evidence is currently insufficient to determine the role of this variant in disease. Therefore, it has been classified as a Variant of Uncertain Significance.

Ambry Genetics
Classification: Uncertain significance for Hereditary cancer-predisposing syndrome. Last evaluated: 2022-01-16. Review status: criteria provided, single submitter. Criteria: Ambry Variant Classification Scheme 2023. Collection method: clinical testing. Allele origin: germline.
Comment: The p.H715Y variant (also known as c.2143C>T), located in coding exon 15 of the APC gene, results from a C to T substitution at nucleotide position 2143. The histidine at codon 715 is replaced by tyrosine, an amino acid with similar properties. This amino acid position is conserved. In addition, in silico predictors for this gene do not accurately predict pathogenicity. Since supporting evidence is limited at this time, the clinical significance of this alteration remains unclear.